The following is an entry in ClinVar:

ClinVar aggregate classification (germline): Likely benign (1 of 4 stars; one submission).

gnomAD v4.1: 4,664 of 1,584,652 alleles (0.29%); highest among the groups gnomAD compares: South Asian, 0.39%; 16 homozygotes.

Submission:

CeGaT Center for Human Genetics Tuebingen
Classification: Likely benign. Last evaluated: 2026-09-01. Review status: criteria provided, single submitter. Criteria: CeGaT Center For Human Genetics Tuebingen Variant Classification Criteria Version 2. Collection method: clinical testing. Allele origin: germline. Affected: yes. Observed: 8 variant alleles.
Comment: MUTYH: BS2; TOE1: BS2

NM_001128425.2(MUTYH):c.36+75C>G

Genes: MUTYH (mutY DNA glycosylase; minus strand), TOE1 (target of EGR1, exonuclease; plus strand). Cytogenetic location: 1p34.1.
Variant type: single nucleotide variant.
Coding change: c.36+75C>G on transcript NM_001128425.2 (MANE Plus Clinical); 75 bases into the intron after coding-DNA position 36, C replaced by G.
Molecular consequence: intron variant.
Genome position (GRCh38, 1-based): chr1:45,340,144, G>C on the plus strand (C>G on the coding strand, the complement: MUTYH is on the minus strand). VCF-style: chr1-45340144-G-C. GRCh37 (hg19) VCF-style: chr1-45805816-G-C.
Other names: c.-7+79C>G (NM_001407072.1); c.-214+75C>G (NM_001350651.2); c.-219+75C>G (NM_001293192.2); c.-278+75C>G (NM_001350650.2); c.36+75C>G (NM_001407073.1, NM_001293190.2, NM_001407069.1 and 1 more transcripts); c.-7+75C>G (NM_001048171.2); c.-7+59C>G (NM_001407070.1, NM_001407071.1).
Identifiers: ClinVar variation 4820730 (VCV004820730.4).